The following is an entry in ClinVar:

ClinVar aggregate classification (germline): Pathogenic (1 of 4 stars; one submission).

Conditions:
Hereditary cancer-predisposing syndrome. Also called: Neoplastic Syndromes, Hereditary; Tumor predisposition; Hereditary Cancer Syndrome; Hereditary neoplastic syndrome. Identifiers: Orphanet 140162, MedGen C0027672, MeSH D009386, MONDO:0015356.

Submission:

Ambry Genetics
Classification: Pathogenic for Hereditary cancer-predisposing syndrome. Last evaluated: 2023-04-26. Review status: criteria provided, single submitter. Criteria: Ambry Variant Classification Scheme 2023. Collection method: clinical testing. Allele origin: germline.
Comment: The c.328delT pathogenic mutation, located in coding exon 4 of the NBN gene, results from a deletion of one nucleotide at nucleotide position 328, causing a translational frameshift with a predicted alternate stop codon (p.Y110Mfs*11). This alteration is expected to result in loss of function by premature protein truncation or nonsense-mediated mRNA decay. As such, this alteration is interpreted as a disease-causing mutation.

NM_002485.5(NBN):c.328del (p.Tyr110fs)

Gene: NBN (nibrin; minus strand). Cytogenetic location: 8q21.3.
Variant type: Deletion.
Coding change: c.328del on transcript NM_002485.5 (MANE Select); coding-DNA position 328, one base deleted (T; older notation c.328delT).
Protein change: p.Tyr110fs; shifts the reading frame from tyrosine 110.
Molecular consequence: frameshift variant.
Genome position (GRCh38, 1-based): chr8:89,980,886, A deleted on the plus strand (T on the coding strand, the reverse complement: NBN is on the minus strand). VCF-style (leftmost placement, unchanged base first): chr8-89980885-TA-T. GRCh37 (hg19) VCF-style: chr8-90993113-TA-T.
Other names: c.82del, p.Tyr28fs (NM_001024688.3); c.328delT (NM_002485.4); short protein forms Y110fs, Y28fs.
Identifiers: ClinVar variation 481844 (VCV000481844.6), dbSNP rs1554568029, ClinGen allele CA658657789.
Genomic context (GRCh38, chr8:89,980,885, plus strand): 5'-TGATTTAAAGCAGTTTTCCCAGAGACATCTAAACAAGAAGAGCATGCAACCAAAGGCTCA[TA>T]CTCTATTCTGTAAATGAGAATAAGTTAAATAAAGTCATAGTATCAGAGTTGCAGAGATGG-3'